The following is an entry in ClinVar:

NM_000552.5(VWF):c.7888-17T>C

Gene: VWF (von Willebrand factor; minus strand). Cytogenetic location: 12p13.31.
Variant type: single nucleotide variant.
Coding change: c.7888-17T>C on transcript NM_000552.5 (MANE Select); 17 bases into the intron before coding-DNA position 7888, T replaced by C.
Molecular consequence: intron variant.
Genome position (GRCh38, 1-based): chr12:5,953,611, A>G on the plus strand (T>C on the coding strand, the complement: VWF is on the minus strand). VCF-style: chr12-5953611-A-G. GRCh37 (hg19) VCF-style: chr12-6062777-A-G.
Other names: p.?; c.7888-17T>C (NM_000552.4).
Identifiers: ClinVar variation 2428535 (VCV002428535.6), dbSNP rs12297370, ClinGen allele CA6401465.

ClinVar aggregate classification (germline): Benign/Likely benign. Review status: criteria provided, multiple submitters, no conflicts (2 of 4 stars). 2 submissions from 2 submitters: Benign (1); Likely benign (1). Last evaluated 2025-07-31.

Allele frequency attached by ClinVar (database versions not stated): TOPMed 0.01983; 1000 Genomes Project 0.01997; ExAC 0.00574; gnomAD 0.01720; 1000 Genomes Project 30x 0.02186; gnomAD exomes 0.00168; ESP Exome Variant Server 0.01507.
gnomAD v4.1: 5,173 of 1,602,688 alleles (0.32%); highest among the groups gnomAD compares: African/African-American, 6%; 155 homozygotes.

Submissions (2):

ARUP Laboratories, Molecular Genetics and Genomics, ARUP Laboratories
Classification: Benign. Last evaluated: 2025-07-31. Review status: criteria provided, single submitter. Criteria: ARUP Molecular Germline Variant Investigation Process 2024. Collection method: clinical testing. Allele origin: germline.

Mayo Clinic Laboratories, Mayo Clinic
Classification: Likely benign. Last evaluated: 2022-10-15. Review status: criteria provided, single submitter. Criteria: ACMG Guidelines, 2015. Collection method: clinical testing. Allele origin: germline. Observed: 10 variant alleles.
Comment: BS1, BP4